The following is an entry in ClinVar:

NM_000478.6(ALPL):c.863G>C (p.Gly288Ala)

Gene: ALPL (alkaline phosphatase, biomineralization associated; plus strand). Cytogenetic location: 1p36.12.
Variant type: single nucleotide variant.
Coding change: c.863G>C on transcript NM_000478.6 (MANE Select); coding-DNA position 863, G replaced by C.
Protein change: p.Gly288Ala; replaces glycine 288 with alanine.
Molecular consequence: missense variant.
Genome position (GRCh38, 1-based): chr1:21,573,665, G>C. VCF-style: chr1-21573665-G-C. GRCh37 (hg19) VCF-style: chr1-21900158-G-C.
Other names: c.698G>C, p.Gly233Ala (NM_001127501.4); c.632G>C, p.Gly211Ala (NM_001177520.3); c.863G>C, p.Gly288Ala (NM_001369803.2, NM_001369804.2, NM_001369805.2); short protein forms G211A, G233A, G288A.
Identifiers: ClinVar variation 4086838 (VCV004086838.1).

ClinVar aggregate classification (germline): Likely pathogenic (1 of 4 stars; one submission).

Conditions:
Hypophosphatasia. Also called: Phosphoethanol-aminuria. Identifiers: Orphanet 436, MedGen C0020630, MeSH D007014, MONDO:0018570.

Submission:

Genomenon, Inc
Classification: Likely pathogenic for Hypophosphatasia. Last evaluated: 2025-08-29. Review status: criteria provided, single submitter. Criteria: Genomenon Sequence Variant Interpretation Standards. Collection method: curation. Allele origin: germline. Affected: yes.
Comment: ALPL c.863G>C is a missense variant that changes the amino acid at residue 288 from Glycine to Alanine. This variant has been observed in at least one proband affected with hypophosphatasia (PMID:30680361;35068125). It is absent or not present at a significant frequency in gnomAD. In silico models agree that this variant is possibly or probably damaging. In conclusion, we classify ALPL p.Gly288Ala (c.863G>C) as a likely pathogenic variant.

Literature cited by the submitters: PubMed 30680361; PubMed 35068125.